The following is an entry in ClinVar:

ClinVar aggregate classification (germline): Uncertain significance (1 of 4 stars; one submission).

Submission:

Labcorp Genetics (formerly Invitae), Labcorp
Classification: Uncertain significance. Last evaluated: 2021-04-03. Review status: criteria provided, single submitter. Criteria: Invitae Variant Classification Sherloc (09022015). Collection method: clinical testing. Allele origin: germline.
Comment: This sequence change replaces alanine with proline at codon 349 of the TPP1 protein (p.Ala349Pro). The alanine residue is highly conserved and there is a small physicochemical difference between alanine and proline. This variant is not present in population databases (ExAC no frequency). This variant has not been reported in the literature in individuals with TPP1-related conditions. Advanced modeling of protein sequence and biophysical properties (such as structural, functional, and spatial information, amino acid conservation, physicochemical variation, residue mobility, and thermodynamic stability) performed at Invitae indicates that this missense variant is not expected to disrupt TPP1 protein function. In summary, the available evidence is currently insufficient to determine the role of this variant in disease. Therefore, it has been classified as a Variant of Uncertain Significance.

NM_000391.4(TPP1):c.1045G>C (p.Ala349Pro)

Gene: TPP1 (tripeptidyl peptidase 1; minus strand). Cytogenetic location: 11p15.4.
Variant type: single nucleotide variant.
Coding change: c.1045G>C on transcript NM_000391.4 (MANE Select); coding-DNA position 1045, G replaced by C.
Protein change: p.Ala349Pro; replaces alanine 349 with proline.
Molecular consequence: missense variant.
Genome position (GRCh38, 1-based): chr11:6,616,345, C>G on the plus strand (G>C on the coding strand, the complement: TPP1 is on the minus strand). VCF-style: chr11-6616345-C-G. GRCh37 (hg19) VCF-style: chr11-6637576-C-G.
Other names: short protein forms A349P.
Identifiers: ClinVar variation 1478821 (VCV001478821.7), dbSNP rs1085307673, ClinGen allele CA379474094.
Genomic context (GRCh38, chr11:6,616,345, plus strand): 5'-GCATTGTCTAAGTTTAGGGTAGGAGGTCACCTGAGGCGAAGAGCAGGGTGAGACCCCGAG[C>G]GGCAGCCTTCATGAGCTCAGTGTTGACCCGCTGGATGTAGGCGCTGCTGAGGGAGTCCTC-3'
Protein context (NP_000382.3, residues 339-359): RVNTELMKAA[Ala349Pro]RGLTLLFASG